The following is an entry in ClinVar:

NM_022114.4(PRDM16):c.707A>T (p.Asp236Val)

Gene: PRDM16 (PR/SET domain 16; plus strand). Cytogenetic location: 1p36.32.
Variant type: single nucleotide variant.
Coding change: c.707A>T on transcript NM_022114.4 (MANE Select); coding-DNA position 707, A replaced by T.
Protein change: p.Asp236Val; replaces aspartic acid 236 with valine.
Molecular consequence: missense variant.
Genome position (GRCh38, 1-based): chr1:3,402,821, A>T. VCF-style: chr1-3402821-A-T. GRCh37 (hg19) VCF-style: chr1-3319385-A-T.
Other names: c.707A>T, p.Asp236Val (NM_199454.3); short protein forms D236V.
Identifiers: ClinVar variation 1719399 (VCV001719399.5), dbSNP rs2523832289, ClinGen allele CA338003033.
Genomic context (GRCh38, chr1:3,402,821, plus strand): 5'-CTCACCACCACCTCGTTCTCTCTCTTGCAGAGGAGCCCACGTTCCGCTGTGACGAGTGTG[A>T]CGAACTCTTCCAGTCCAAGCTGGACCTGCGGCGCCATAAGAAGTACACGTGTGGCTCAGT-3'
Protein context (NP_071397.3, residues 226-246): EEPTFRCDEC[Asp236Val]ELFQSKLDLR

ClinVar aggregate classification (germline): Uncertain significance (1 of 4 stars; one submission).

Conditions:
Left ventricular noncompaction 8 (LVNC8). Identifiers: Orphanet 154, Orphanet 54260, MedGen C3809288, MONDO:0014152, OMIM 615373.

Allele frequency attached by ClinVar (database versions not stated): gnomAD exomes below 0.00001.
gnomAD v4.1: 1 of 1,612,720 alleles (0.000062%); highest among the groups gnomAD compares: Non-Finnish European, 0.000085%; no homozygotes.

Submission:

Labcorp Genetics (formerly Invitae), Labcorp
Classification: Uncertain significance for Left ventricular noncompaction 8. Last evaluated: 2022-09-14. Review status: criteria provided, single submitter. Criteria: Invitae Variant Classification Sherloc (09022015). Collection method: clinical testing. Allele origin: germline.
Comment: Algorithms developed to predict the effect of missense changes on protein structure and function are either unavailable or do not agree on the potential impact of this missense change (SIFT: "Deleterious"; PolyPhen-2: "Probably Damaging"; Align-GVGD: "Class C0"). In summary, the available evidence is currently insufficient to determine the role of this variant in disease. Therefore, it has been classified as a Variant of Uncertain Significance. This variant has not been reported in the literature in individuals affected with PRDM16-related conditions. This variant is not present in population databases (gnomAD no frequency). This sequence change replaces aspartic acid, which is acidic and polar, with valine, which is neutral and non-polar, at codon 236 of the PRDM16 protein (p.Asp236Val).